The following is an entry in ClinVar:

ClinVar aggregate classification (germline): Uncertain significance (1 of 4 stars; one submission).

gnomAD v4.1: 6 of 1,614,038 alleles (0.00037%); highest among the groups gnomAD compares: Middle Eastern, 0.033%; no homozygotes.

Submission:

Labcorp Genetics (formerly Invitae), Labcorp
Classification: Uncertain significance. Last evaluated: 2023-11-27. Review status: criteria provided, single submitter. Criteria: Invitae Variant Classification Sherloc (09022015). Collection method: clinical testing. Allele origin: germline.
Comment: This sequence change replaces alanine, which is neutral and non-polar, with valine, which is neutral and non-polar, at codon 444 of the POC5 protein (p.Ala444Val). This variant is present in population databases (rs749750536, gnomAD 0.003%). This variant has not been reported in the literature in individuals affected with POC5-related conditions. ClinVar contains an entry for this variant (Variation ID: 2186689). Algorithms developed to predict the effect of missense changes on protein structure and function output the following: SIFT: "Not Available"; PolyPhen-2: "Probably Damaging"; Align-GVGD: "Not Available". The valine amino acid residue is found in multiple mammalian species, which suggests that this missense change does not adversely affect protein function. In summary, the available evidence is currently insufficient to determine the role of this variant in disease. Therefore, it has been classified as a Variant of Uncertain Significance.

NM_001099271.2(POC5):c.1331C>T (p.Ala444Val)

Gene: POC5 (POC5 centriolar protein; minus strand). Cytogenetic location: 5q13.3.
Variant type: single nucleotide variant.
Coding change: c.1331C>T on transcript NM_001099271.2 (MANE Select); coding-DNA position 1331, C replaced by T.
Protein change: p.Ala444Val; replaces alanine 444 with valine.
Molecular consequence: missense variant.
Genome position (GRCh38, 1-based): chr5:75,685,283, G>A on the plus strand (C>T on the coding strand, the complement: POC5 is on the minus strand). VCF-style: chr5-75685283-G-A. GRCh37 (hg19) VCF-style: chr5-74981108-G-A.
Other names: c.1256C>T, p.Ala419Val (NM_152408.3); short protein forms A419V, A444V.
Identifiers: ClinVar variation 2186689 (VCV002186689.4), dbSNP rs749750536, ClinGen allele CA3310340.